The following is an entry in ClinVar:

ClinVar aggregate classification (germline): Uncertain significance (1 of 4 stars; one submission).

Conditions:
Glycine encephalopathy. Also called: Nonketotic hyperglycinemia; Non-ketotic hyperglycinemia. Identifiers: Orphanet 407, MedGen C0751748, MONDO:0011612, HP:0008288.

Submission:

Labcorp Genetics (formerly Invitae), Labcorp
Classification: Uncertain significance for Glycine encephalopathy. Last evaluated: 2022-08-15. Review status: criteria provided, single submitter. Criteria: Invitae Variant Classification Sherloc (09022015). Collection method: clinical testing. Allele origin: germline.
Comment: Advanced modeling of protein sequence and biophysical properties (such as structural, functional, and spatial information, amino acid conservation, physicochemical variation, residue mobility, and thermodynamic stability) performed at Invitae indicates that this missense variant is expected to disrupt GLDC protein function. In summary, the available evidence is currently insufficient to determine the role of this variant in disease. Therefore, it has been classified as a Variant of Uncertain Significance. This variant has not been reported in the literature in individuals affected with GLDC-related conditions. This variant is not present in population databases (gnomAD no frequency). This sequence change replaces lysine, which is basic and polar, with glutamic acid, which is acidic and polar, at codon 544 of the GLDC protein (p.Lys544Glu).

NM_000170.3(GLDC):c.1630A>G (p.Lys544Glu)

Gene: GLDC (glycine decarboxylase; minus strand). Cytogenetic location: 9p24.1.
Variant type: single nucleotide variant.
Coding change: c.1630A>G on transcript NM_000170.3 (MANE Select); coding-DNA position 1630, A replaced by G.
Protein change: p.Lys544Glu; replaces lysine 544 with glutamic acid.
Molecular consequence: missense variant.
Genome position (GRCh38, 1-based): chr9:6,588,653, T>C on the plus strand (A>G on the coding strand, the complement: GLDC is on the minus strand). VCF-style: chr9-6588653-T-C. GRCh37 (hg19) VCF-style: chr9-6588653-T-C.
Other names: short protein forms K544E.
Identifiers: ClinVar variation 2003335 (VCV002003335.4), dbSNP rs2489079002, ClinGen allele CA372892647.